The following is an entry in ClinVar:

ClinVar aggregate classification (germline): Uncertain significance (1 of 4 stars; one submission).

Conditions:
Hermansky-Pudlak syndrome 2 (HPS2). Also called: Platelet defects and oculocutaneous albinism. Identifiers: Orphanet 183678, Orphanet 79430, MedGen C1842362, MONDO:0011997, OMIM 608233.

gnomAD v4.1: 3 of 1,613,970 alleles (0.00019%); highest among the groups gnomAD compares: Non-Finnish European, 0.00017%; no homozygotes.

Submission:

Labcorp Genetics (formerly Invitae), Labcorp
Classification: Uncertain significance for Hermansky-Pudlak syndrome 2. Last evaluated: 2022-05-24. Review status: criteria provided, single submitter. Criteria: Invitae Variant Classification Sherloc (09022015). Collection method: clinical testing. Allele origin: germline.
Comment: This sequence change replaces asparagine, which is neutral and polar, with serine, which is neutral and polar, at codon 434 of the AP3B1 protein (p.Asn434Ser). This variant is not present in population databases (gnomAD no frequency). This variant has not been reported in the literature in individuals affected with AP3B1-related conditions. Algorithms developed to predict the effect of missense changes on protein structure and function output the following: SIFT: "Tolerated"; PolyPhen-2: "Benign"; Align-GVGD: "Class C0". The serine amino acid residue is found in multiple mammalian species, which suggests that this missense change does not adversely affect protein function. In summary, the available evidence is currently insufficient to determine the role of this variant in disease. Therefore, it has been classified as a Variant of Uncertain Significance.

NM_003664.5(AP3B1):c.1301A>G (p.Asn434Ser)

Gene: AP3B1 (adaptor related protein complex 3 subunit beta 1; minus strand). Cytogenetic location: 5q14.1.
Variant type: single nucleotide variant.
Coding change: c.1301A>G on transcript NM_003664.5 (MANE Select); coding-DNA position 1301, A replaced by G.
Protein change: p.Asn434Ser; replaces asparagine 434 with serine.
Molecular consequence: missense variant.
Genome position (GRCh38, 1-based): chr5:78,162,881, T>C on the plus strand (A>G on the coding strand, the complement: AP3B1 is on the minus strand). VCF-style: chr5-78162881-T-C. GRCh37 (hg19) VCF-style: chr5-77458705-T-C.
Other names: c.1154A>G, p.Asn385Ser (NM_001271769.2); c.1301A>G, p.Asn434Ser (NM_001410752.1); short protein forms N385S, N434S.
Identifiers: ClinVar variation 1911745 (VCV001911745.5), dbSNP rs1289085829, ClinGen allele CA360190020.